The following is an entry in ClinVar:

NM_177924.5(ASAH1):c.1102A>G (p.Thr368Ala)

Gene: ASAH1 (N-acylsphingosine amidohydrolase 1; minus strand). Cytogenetic location: 8p22.
Variant type: single nucleotide variant.
Coding change: c.1102A>G on transcript NM_177924.5 (MANE Select); coding-DNA position 1102, A replaced by G.
Protein change: p.Thr368Ala; replaces threonine 368 with alanine.
Molecular consequence: missense variant.
Genome position (GRCh38, 1-based): chr8:18,057,620, T>C on the plus strand (A>G on the coding strand, the complement: ASAH1 is on the minus strand). VCF-style: chr8-18057620-T-C. GRCh37 (hg19) VCF-style: chr8-17915129-T-C.
Other names: c.1102A>G (NM_177924.3); c.1084A>G, p.Thr362Ala (NM_001127505.3); c.907A>G, p.Thr303Ala (NM_001363743.2); c.1150A>G, p.Thr384Ala (NM_004315.6); short protein forms T368A, T303A, T362A, T384A.
Identifiers: ClinVar variation 2975403 (VCV002975403.4), dbSNP rs2537909480, ClinGen allele CA370442737.

ClinVar aggregate classification (germline): Uncertain significance. Review status: criteria provided, multiple submitters, no conflicts (2 of 4 stars). 2 submissions from 2 submitters: Uncertain significance (2). Last evaluated 2024-10-22.

Allele frequency attached by ClinVar (database versions not stated): gnomAD exomes below 0.00001.
gnomAD v4.1: 1 of 1,599,188 alleles (0.000063%); highest among the groups gnomAD compares: Admixed American, 0.0017%; no homozygotes.

Submissions (2):

Labcorp Genetics (formerly Invitae), Labcorp
Classification: Uncertain significance. Last evaluated: 2024-10-22. Review status: criteria provided, single submitter. Criteria: Invitae Variant Classification Sherloc (09022015). Collection method: clinical testing. Allele origin: germline.
Comment: This sequence change replaces threonine, which is neutral and polar, with alanine, which is neutral and non-polar, at codon 368 of the ASAH1 protein (p.Thr368Ala). This variant is not present in population databases (gnomAD no frequency). This variant has not been reported in the literature in individuals affected with ASAH1-related conditions. Invitae Evidence Modeling of protein sequence and biophysical properties (such as structural, functional, and spatial information, amino acid conservation, physicochemical variation, residue mobility, and thermodynamic stability) indicates that this missense variant is expected to disrupt ASAH1 protein function with a positive predictive value of 80%. In summary, the available evidence is currently insufficient to determine the role of this variant in disease. Therefore, it has been classified as a Variant of Uncertain Significance.

GeneDx
Classification: Uncertain significance. Last evaluated: 2023-12-07. Review status: criteria provided, single submitter. Criteria: GeneDx Variant Classification Process June 2021. Collection method: clinical testing. Allele origin: germline. Affected: yes.
Comment: Not observed at significant frequency in large population cohorts (gnomAD); In silico analysis supports that this missense variant has a deleterious effect on protein structure/function; Has not been previously published as pathogenic or benign to our knowledge